The following is an entry in ClinVar:

NM_000642.3(AGL):c.961A>G (p.Asn321Asp)

Gene: AGL (amylo-alpha-1,6-glucosidase and 4-alpha-glucanotransferase; plus strand). Cytogenetic location: 1p21.2.
Variant type: single nucleotide variant.
Coding change: c.961A>G on transcript NM_000642.3 (MANE Select); coding-DNA position 961, A replaced by G.
Protein change: p.Asn321Asp; replaces asparagine 321 with aspartic acid.
Molecular consequence: missense variant.
Genome position (GRCh38, 1-based): chr1:99,874,689, A>G. VCF-style: chr1-99874689-A-G. GRCh37 (hg19) VCF-style: chr1-100340245-A-G.
Other names: c.961A>G, p.Asn321Asp (NM_000028.3, NM_000643.3, NM_000644.3 and 3 more transcripts); c.913A>G, p.Asn305Asp (NM_000646.3); c.757A>G, p.Asn253Asp (NM_001425328.1, NM_001425329.1); c.583A>G, p.Asn195Asp (NM_001425332.1); short protein forms N195D, N253D, N321D, N305D.
Identifiers: ClinVar variation 4700615 (VCV004700615.1).

ClinVar aggregate classification (germline): Uncertain significance (1 of 4 stars; one submission).

Conditions:
Glycogen storage disease type III (GSD3). Also called: Cori disease; FORBES DISEASE. Identifiers: Orphanet 366, MedGen C0017922, MONDO:0009291, OMIM 232400.

gnomAD v4.1: 1 of 1,610,944 alleles (0.000062%); highest among the groups gnomAD compares: Non-Finnish European, 0.000085%; no homozygotes.

Submission:

Labcorp Genetics (formerly Invitae), Labcorp
Classification: Uncertain significance for Glycogen storage disease type III. Last evaluated: 2025-06-22. Review status: criteria provided, single submitter. Criteria: Invitae Variant Classification Sherloc (09022015). Collection method: clinical testing. Allele origin: germline.
Comment: This sequence change replaces asparagine, which is neutral and polar, with aspartic acid, which is acidic and polar, at codon 321 of the AGL protein (p.Asn321Asp). This variant is present in population databases (rs759221495, gnomAD 0.0009%). This variant has not been reported in the literature in individuals affected with AGL-related conditions. An algorithm developed to predict the effect of missense changes on protein structure and function (PolyPhen-2) suggests that this variant is likely to be tolerated. Algorithms developed to predict the effect of sequence changes on RNA splicing suggest that this variant may create or strengthen a splice site. In summary, the available evidence is currently insufficient to determine the role of this variant in disease. Therefore, it has been classified as a Variant of Uncertain Significance.